The following is an entry in ClinVar:

NM_173660.5(DOK7):c.494G>A (p.Ser165Asn)

Gene: DOK7 (docking protein 7; plus strand). Cytogenetic location: 4p16.3.
Variant type: single nucleotide variant.
Coding change: c.494G>A on transcript NM_173660.5 (MANE Select); coding-DNA position 494, G replaced by A.
Protein change: p.Ser165Asn; replaces serine 165 with asparagine.
Molecular consequence: missense variant. On other transcripts: intron variant (1).
Genome position (GRCh38, 1-based): chr4:3,476,504, G>A. VCF-style: chr4-3476504-G-A. GRCh37 (hg19) VCF-style: chr4-3478231-G-A.
Other names: c.494G>A, p.Ser165Asn (NM_001164673.2, NM_001301071.2); c.101-9035G>A (NM_001363811.2); short protein forms S165N.
Identifiers: ClinVar variation 2100204 (VCV002100204.4), dbSNP rs1337228970, ClinGen allele CA356114439.

ClinVar aggregate classification (germline): Uncertain significance (1 of 4 stars; one submission).

Conditions:
Congenital myasthenic syndrome 10. Also called: Myasthenia, limb-girdle, familial. Identifiers: Orphanet 590, MedGen C1850792, MONDO:0009690, OMIM 254300.
Fetal akinesia deformation sequence 1 (FADS1). Also called: Pena-Shokeir syndrome type I; Fetal akinesia sequence. Identifiers: Orphanet 994, MedGen C1276035, MONDO:0100101, OMIM 208150, HP:0001989.

gnomAD v4.1: 2 of 1,613,924 alleles (0.00012%); highest among the groups gnomAD compares: Non-Finnish European, 0.00017%; no homozygotes.

Submission:

Labcorp Genetics (formerly Invitae), Labcorp
Classification: Uncertain significance for Congenital myasthenic syndrome 10; Fetal akinesia deformation sequence 1. Last evaluated: 2022-06-16. Review status: criteria provided, single submitter. Criteria: Invitae Variant Classification Sherloc (09022015). Collection method: clinical testing. Allele origin: germline.
Comment: This sequence change replaces serine, which is neutral and polar, with asparagine, which is neutral and polar, at codon 165 of the DOK7 protein (p.Ser165Asn). This variant is present in population databases (no rsID available, gnomAD 0.0009%). This variant has not been reported in the literature in individuals affected with DOK7-related conditions. Algorithms developed to predict the effect of missense changes on protein structure and function output the following: SIFT: "Tolerated"; PolyPhen-2: "Benign"; Align-GVGD: "Class C0". The asparagine amino acid residue is found in multiple mammalian species, which suggests that this missense change does not adversely affect protein function. In summary, the available evidence is currently insufficient to determine the role of this variant in disease. Therefore, it has been classified as a Variant of Uncertain Significance.